The following is an entry in ClinVar:

ClinVar aggregate classification (germline): Benign/Likely benign. Review status: criteria provided, multiple submitters, no conflicts (2 of 4 stars). 7 submissions from 6 submitters: Benign (3); Likely benign (3). 1 of the submissions does not count toward it. Last evaluated 2024-10-09.

Conditions:
Congenital afibrinogenemia. Identifiers: Orphanet 335, Orphanet 98880, MedGen C2584774, MONDO:0008737, OMIM 202400.
FGA-related disorder. Also called: FGA-related condition; FGA-related disorders.
Familial visceral amyloidosis, Ostertag type (AMYLD2). Also called: AMYLOIDOSIS VIII; Familial visceral amyloidosis; Ostertag type amyloidosis; Amyloidosis, hepatic and systemic; AMYLOIDOSIS, HEREDITARY SYSTEMIC 2; Hereditary Renal Amyloidosis. Identifiers: Orphanet 85450, MedGen C0268389, MONDO:0007099, OMIM 105200.
Familial dysfibrinogenemia. Also called: Dysfibrinogenemia, congenital. Identifiers: Orphanet 335, Orphanet 98881, MedGen C0272350, MONDO:0014452, OMIM 616004.

Allele frequency attached by ClinVar (database versions not stated): gnomAD exomes 0.00024 and 0.00063; ExAC 0.00080; 1000 Genomes Project 30x 0.00109; 1000 Genomes Project 0.00120; ESP Exome Variant Server 0.00192; gnomAD 0.00220 and 0.00240; TOPMed 0.00244.
gnomAD v4.1: 697 of 1,612,290 alleles (0.043%); highest among the groups gnomAD compares: African/African-American, 0.79%; 1 homozygote.

Submissions (7):

Blueprint Genetics
Classification: Likely benign. Last evaluated: 2024-10-09. Review status: criteria provided, single submitter. Criteria: ACMG Guidelines, 2015. Collection method: clinical testing. Allele origin: germline.

Women's Health and Genetics/Laboratory Corporation of America, LabCorp
Classification: Likely benign. Last evaluated: 2024-01-26. Review status: criteria provided, single submitter. Criteria: LabCorp Variant Classification Summary - May 2015. Collection method: clinical testing. Allele origin: germline.

Fulgent Genetics
Classification: Benign for Familial visceral amyloidosis, Ostertag type; Congenital afibrinogenemia; Familial dysfibrinogenemia. Last evaluated: 2021-08-04. Review status: criteria provided, single submitter. Criteria: ACMG Guidelines, 2015. Collection method: clinical testing. Allele origin: unknown.

Labcorp Genetics (formerly Invitae), Labcorp
Classification: Benign. Last evaluated: 2019-12-31. Review status: criteria provided, single submitter. Criteria: Invitae Variant Classification Sherloc (09022015). Collection method: clinical testing. Allele origin: germline.

Illumina Laboratory Services, Illumina
Classification: Benign for Familial visceral amyloidosis, Ostertag type. Last evaluated: 2018-01-13. Review status: criteria provided, single submitter. Criteria: ICSL Variant Classification Criteria 13 December 2019. Collection method: clinical testing. Allele origin: germline.
Comment: This variant was observed in the ICSL laboratory as part of a predisposition screen in an ostensibly healthy population. It had not been previously curated by ICSL or reported in the Human Gene Mutation Database (HGMD: prior to June 1st, 2018), and was therefore a candidate for classification through an automated scoring system. Utilizing variant allele frequency, disease prevalence and penetrance estimates, and inheritance mode, an automated score was calculated to assess if this variant is too frequent to cause the disease. Based on the score and internal cut-off values, a variant classified as benign is not then subjected to further curation. The score for this variant resulted in a classification of benign for this disease.

Illumina Laboratory Services, Illumina
Classification: Likely benign for Congenital afibrinogenemia. Last evaluated: 2018-01-13. Review status: criteria provided, single submitter. Criteria: ICSL Variant Classification Criteria 13 December 2019. Collection method: clinical testing. Allele origin: germline.
Comment: This variant was observed in the ICSL laboratory as part of a predisposition screen in an ostensibly healthy population. It had not been previously curated by ICSL or reported in the Human Gene Mutation Database (HGMD: prior to June 1st, 2018), and was therefore a candidate for classification through an automated scoring system. Utilizing variant allele frequency, disease prevalence and penetrance estimates, and inheritance mode, an automated score was calculated to assess if this variant is too frequent to cause the disease. Based on the score and internal cut-off values, a variant classified as likely benign is not then subjected to further curation. The score for this variant resulted in a classification of likely benign for this disease.

PreventionGenetics, part of Exact Sciences
Classification: Benign for FGA-related condition. Last evaluated: 2019-06-18. Review status: no assertion criteria provided. Collection method: clinical testing. Allele origin: germline. Not counted in ClinVar's aggregate classification.
Comment: This variant is classified as benign based on ACMG/AMP sequence variant interpretation guidelines (Richards et al. 2015 PMID: 25741868, with internal and published modifications).

NM_021871.4(FGA):c.300G>A (p.Lys100=)

Gene: FGA (fibrinogen alpha chain; minus strand). Cytogenetic location: 4q31.3.
Variant type: single nucleotide variant.
Coding change: c.300G>A on transcript NM_021871.4 (MANE Select); coding-DNA position 300, G replaced by A.
Protein change: p.Lys100=; no amino-acid change (lysine 100 retained).
Molecular consequence: synonymous variant.
Genome position (GRCh38, 1-based): chr4:154,588,857, C>T on the plus strand (G>A on the coding strand, the complement: FGA is on the minus strand). VCF-style: chr4-154588857-C-T. GRCh37 (hg19) VCF-style: chr4-155510009-C-T.
Other names: c.300G>A, p.Lys100= (NM_000508.5); c.300G>A (NM_000508.4).
Identifiers: ClinVar variation 783429 (VCV000783429.13), dbSNP rs112877216, ClinGen allele CA3115339.